The following is an entry in ClinVar:

NM_001735.3(C5):c.2642C>T (p.Ser881Phe)

Gene: C5 (complement C5; minus strand). Cytogenetic location: 9q33.2.
Variant type: single nucleotide variant.
Coding change: c.2642C>T on transcript NM_001735.3 (MANE Select); coding-DNA position 2642, C replaced by T.
Protein change: p.Ser881Phe; replaces serine 881 with phenylalanine.
Molecular consequence: missense variant.
Genome position (GRCh38, 1-based): chr9:120,997,695, G>A on the plus strand (C>T on the coding strand, the complement: C5 is on the minus strand). VCF-style: chr9-120997695-G-A. GRCh37 (hg19) VCF-style: chr9-123759973-G-A.
Other names: c.2660C>T, p.Ser887Phe (NM_001317163.2); short protein forms S887F, S881F.
Identifiers: ClinVar variation 2095731 (VCV002095731.3), dbSNP rs754814772, ClinGen allele CA5217700.

ClinVar aggregate classification (germline): Uncertain significance (1 of 4 stars; one submission).

Allele frequency attached by ClinVar (database versions not stated): TOPMed below 0.00001; gnomAD exomes 0.00001; ExAC 0.00002.
gnomAD v4.1: 15 of 1,614,168 alleles (0.00093%); highest among the groups gnomAD compares: South Asian, 0.015%; 1 homozygote.

Submission:

Labcorp Genetics (formerly Invitae), Labcorp
Classification: Uncertain significance. Last evaluated: 2025-01-27. Review status: criteria provided, single submitter. Criteria: Invitae Variant Classification Sherloc (09022015). Collection method: clinical testing. Allele origin: germline.
Comment: This sequence change replaces serine, which is neutral and polar, with phenylalanine, which is neutral and non-polar, at codon 881 of the C5 protein (p.Ser881Phe). This variant is present in population databases (rs754814772, gnomAD 0.01%). This variant has not been reported in the literature in individuals affected with C5-related conditions. ClinVar contains an entry for this variant (Variation ID: 2095731). An algorithm developed to predict the effect of missense changes on protein structure and function (PolyPhen-2) suggests that this variant¬†is likely to be tolerated. In summary, the available evidence is currently insufficient to determine the role of this variant in disease. Therefore, it has been classified as a Variant of Uncertain Significance.